The following is an entry in ClinVar:

ClinVar aggregate classification (germline): Uncertain significance. Review status: criteria provided, multiple submitters, no conflicts (2 of 4 stars). 3 submissions from 3 submitters: Uncertain significance (3). Last evaluated 2025-11-18.

Conditions:
Hereditary cancer-predisposing syndrome. Also called: Tumor predisposition; Hereditary Cancer Syndrome; Hereditary neoplastic syndrome; Neoplastic Syndromes, Hereditary. Identifiers: Orphanet 140162, MedGen C0027672, MeSH D009386, MONDO:0015356.
Ataxia-telangiectasia syndrome (AT). Also called: Ataxia telangiectasia (A-T); LOUIS-BAR SYNDROME; Cerebello-oculocutaneous telangiectasia; Immunodeficiency with ataxia telangiectasia; ATAXIA-TELANGIECTASIA, COMPLEMENTATION GROUP A; ATAXIA-TELANGIECTASIA, FRESNO VARIANT. Identifiers: Orphanet 100, MedGen C0004135, MONDO:0008840, OMIM 208900.

Allele frequency attached by ClinVar (database versions not stated): ExAC 0.00001.

Submissions (3):

Color Diagnostics, LLC DBA Color Health
Classification: Uncertain significance for Hereditary cancer-predisposing syndrome. Last evaluated: 2025-11-18. Review status: criteria provided, single submitter. Criteria: ACMG Guidelines, 2015. Collection method: clinical testing. Allele origin: germline.
Comment: This missense variant replaces methionine with isoleucine at codon 1040 of the ATM protein. Computational prediction suggests that this variant may not impact protein structure and function. To our knowledge, functional studies have not been reported for this variant. This variant has not been reported in individuals affected with ATM-related disorders in the literature. This variant has not been identified in the general population by the Genome Aggregation Database (gnomAD). The available evidence is insufficient to determine the role of this variant in disease conclusively. Therefore, this variant is classified as a Variant of Uncertain Significance.

Ambry Genetics
Classification: Uncertain significance for Hereditary cancer-predisposing syndrome. Last evaluated: 2024-05-09. Review status: criteria provided, single submitter. Criteria: Ambry Variant Classification Scheme 2023. Collection method: clinical testing. Allele origin: germline.
Comment: The p.M1040I variant (also known as c.3120G>C), located in coding exon 20 of the ATM gene, results from a G to C substitution at nucleotide position 3120. The methionine at codon 1040 is replaced by isoleucine, an amino acid with highly similar properties. This amino acid position is conserved. In addition, this alteration is predicted to be tolerated by in silico analysis. Since supporting evidence is limited at this time, the clinical significance of this alteration remains unclear.

Labcorp Genetics (formerly Invitae), Labcorp
Classification: Uncertain significance for Ataxia-telangiectasia syndrome. Last evaluated: 2022-09-26. Review status: criteria provided, single submitter. Criteria: Invitae Variant Classification Sherloc (09022015). Collection method: clinical testing. Allele origin: germline.
Comment: This sequence change replaces methionine, which is neutral and non-polar, with isoleucine, which is neutral and non-polar, at codon 1040 of the ATM protein (p.Met1040Ile). This variant is present in population databases (rs781519408, gnomAD 0.0009%). This variant has not been reported in the literature in individuals affected with ATM-related conditions. ClinVar contains an entry for this variant (Variation ID: 236698). Algorithms developed to predict the effect of missense changes on protein structure and function output the following: SIFT: "Tolerated"; PolyPhen-2: "Benign"; Align-GVGD: "Class C0". The isoleucine amino acid residue is found in multiple mammalian species, which suggests that this missense change does not adversely affect protein function. In summary, the available evidence is currently insufficient to determine the role of this variant in disease. Therefore, it has been classified as a Variant of Uncertain Significance.

NM_000051.4(ATM):c.3120G>C (p.Met1040Ile)

Gene: ATM (ATM serine/threonine kinase; plus strand). Cytogenetic location: 11q22.3.
Variant type: single nucleotide variant.
Coding change: c.3120G>C on transcript NM_000051.4 (MANE Select); coding-DNA position 3120, G replaced by C.
Protein change: p.Met1040Ile; replaces methionine 1040 with isoleucine.
Molecular consequence: missense variant.
Genome position (GRCh38, 1-based): chr11:108,272,574, G>C. VCF-style: chr11-108272574-G-C. GRCh37 (hg19) VCF-style: chr11-108143301-G-C.
Other names: c.3120G>C, p.Met1040Ile (NM_001351834.2); short protein forms M1040I.
Identifiers: ClinVar variation 236698 (VCV000236698.8), dbSNP rs781519408, ClinGen allele CA6265197.